The following is an entry in ClinVar:

NM_004958.4(MTOR):c.3819G>A (p.Arg1273=)

Gene: MTOR (mechanistic target of rapamycin kinase; minus strand). Cytogenetic location: 1p36.22.
Variant type: single nucleotide variant.
Coding change: c.3819G>A on transcript NM_004958.4 (MANE Select); coding-DNA position 3819, G replaced by A.
Protein change: p.Arg1273=; no amino-acid change (arginine 1273 retained).
Molecular consequence: synonymous variant.
Genome position (GRCh38, 1-based): chr1:11,204,686, C>T on the plus strand (G>A on the coding strand, the complement: MTOR is on the minus strand). VCF-style: chr1-11204686-C-T. GRCh37 (hg19) VCF-style: chr1-11264743-C-T.
Other names: c.3819G>A, p.Arg1273= (NM_001386500.1); c.2571G>A, p.Arg857= (NM_001386501.1).
Identifiers: ClinVar variation 2763735 (VCV002763735.4), dbSNP rs1403445639, ClinGen allele CA415923332.

ClinVar aggregate classification (germline): Likely benign. Review status: criteria provided, multiple submitters, no conflicts (2 of 4 stars). 2 submissions from 2 submitters: Likely benign (2). Last evaluated 2024-11-04.

Conditions:
MTOR-related disorder. Also called: MTOR-related condition.

Submissions (2):

PreventionGenetics, part of Exact Sciences
Classification: Likely benign for MTOR-related condition. Last evaluated: 2024-11-04. Review status: criteria provided, single submitter. Criteria: ACMG Guidelines, 2015. Collection method: clinical testing. Allele origin: germline.
Comment: This variant is classified as likely benign based on ACMG/AMP sequence variant interpretation guidelines (Richards et al. 2015 PMID: 25741868, with internal and published modifications).

Labcorp Genetics (formerly Invitae), Labcorp
Classification: Likely benign. Last evaluated: 2023-11-18. Review status: criteria provided, single submitter. Criteria: Invitae Variant Classification Sherloc (09022015). Collection method: clinical testing. Allele origin: germline.